The following is an entry in ClinVar:

ClinVar aggregate classification (germline): Uncertain significance (1 of 4 stars; one submission).

Conditions:
Hereditary cancer-predisposing syndrome. Also called: Neoplastic Syndromes, Hereditary; Tumor predisposition; Hereditary Cancer Syndrome; Hereditary neoplastic syndrome. Identifiers: Orphanet 140162, MedGen C0027672, MeSH D009386, MONDO:0015356.

Submission:

Ambry Genetics
Classification: Uncertain significance for Hereditary cancer-predisposing syndrome. Last evaluated: 2022-05-07. Review status: criteria provided, single submitter. Criteria: Ambry Variant Classification Scheme 2023. Collection method: clinical testing. Allele origin: germline.
Comment: The p.Y1345D variant (also known as c.4033T>G), located in coding exon 20 of the DICER1 gene, results from a T to G substitution at nucleotide position 4033. The tyrosine at codon 1345 is replaced by aspartic acid, an amino acid with highly dissimilar properties. This amino acid position is conserved. In addition, this alteration is predicted to be deleterious by in silico analysis. Since supporting evidence is limited at this time, the clinical significance of this alteration remains unclear.

NM_177438.3(DICER1):c.4033T>G (p.Tyr1345Asp)

Gene: DICER1 (dicer 1, ribonuclease III; minus strand). Cytogenetic location: 14q32.13.
Variant type: single nucleotide variant.
Coding change: c.4033T>G on transcript NM_177438.3 (MANE Select); coding-DNA position 4033, T replaced by G.
Protein change: p.Tyr1345Asp; replaces tyrosine 1345 with aspartic acid.
Molecular consequence: missense variant. On other transcripts: non-coding transcript variant (6).
Genome position (GRCh38, 1-based): chr14:95,103,363, A>C on the plus strand (T>G on the coding strand, the complement: DICER1 is on the minus strand). VCF-style: chr14-95103363-A-C. GRCh37 (hg19) VCF-style: chr14-95569700-A-C.
Other names: c.4033T>G, p.Tyr1345Asp (NM_001195573.1, NM_001271282.3, NM_001291628.2 and 13 more transcripts); c.3751T>G, p.Tyr1251Asp (NM_001395686.1); c.3628T>G, p.Tyr1210Asp (NM_001395687.1, NM_001395688.1, NM_001395689.1 and 2 more transcripts); c.3466T>G, p.Tyr1156Asp (NM_001395691.1); c.2350T>G, p.Tyr784Asp (NM_001395697.1); short protein forms Y1156D, Y1210D, Y1251D, Y1345D, Y784D.
Identifiers: ClinVar variation 1737224 (VCV001737224.2), dbSNP rs2542683751, ClinGen allele CA390872916.